The following is an entry in ClinVar:

ClinVar aggregate classification (germline): Uncertain significance (1 of 4 stars; one submission).

Conditions:
Left ventricular noncompaction 8 (LVNC8). Identifiers: Orphanet 154, Orphanet 54260, MedGen C3809288, MONDO:0014152, OMIM 615373.

gnomAD v4.1: 8 of 1,614,094 alleles (0.0005%); highest among the groups gnomAD compares: African/African-American, 0.0013%; no homozygotes.

Submission:

Labcorp Genetics (formerly Invitae), Labcorp
Classification: Uncertain significance for Left ventricular noncompaction 8. Last evaluated: 2024-06-11. Review status: criteria provided, single submitter. Criteria: Invitae Variant Classification Sherloc (09022015). Collection method: clinical testing. Allele origin: germline.
Comment: This sequence change replaces aspartic acid, which is acidic and polar, with alanine, which is neutral and non-polar, at codon 1102 of the PRDM16 protein (p.Asp1102Ala). This variant is not present in population databases (gnomAD no frequency). This variant has not been reported in the literature in individuals affected with PRDM16-related conditions. An algorithm developed to predict the effect of missense changes on protein structure and function (PolyPhen-2) suggests that this variant is likely to be tolerated. In summary, the available evidence is currently insufficient to determine the role of this variant in disease. Therefore, it has been classified as a Variant of Uncertain Significance.

NM_022114.4(PRDM16):c.3305A>C (p.Asp1102Ala)

Gene: PRDM16 (PR/SET domain 16; plus strand). Cytogenetic location: 1p36.32.
Variant type: single nucleotide variant.
Coding change: c.3305A>C on transcript NM_022114.4 (MANE Select); coding-DNA position 3305, A replaced by C.
Protein change: p.Asp1102Ala; replaces aspartic acid 1102 with alanine.
Molecular consequence: missense variant.
Genome position (GRCh38, 1-based): chr1:3,430,892, A>C. VCF-style: chr1-3430892-A-C. GRCh37 (hg19) VCF-style: chr1-3347456-A-C.
Other names: c.3305A>C, p.Asp1102Ala (NM_199454.3); short protein forms D1102A.
Identifiers: ClinVar variation 3697738 (VCV003697738.2).